The following is an entry in ClinVar:

NM_001103.4(ACTN2):c.1508C>A (p.Ala503Asp)

Gene: ACTN2 (actinin alpha 2; plus strand). Cytogenetic location: 1q43.
Variant type: single nucleotide variant.
Coding change: c.1508C>A on transcript NM_001103.4 (MANE Select); coding-DNA position 1508, C replaced by A.
Protein change: p.Ala503Asp; replaces alanine 503 with aspartic acid.
Molecular consequence: missense variant.
Genome position (GRCh38, 1-based): chr1:236,747,768, C>A. VCF-style: chr1-236747768-C-A. GRCh37 (hg19) VCF-style: chr1-236911068-C-A.
Other names: c.1508C>A, p.Ala503Asp (NM_001278343.2); c.884C>A, p.Ala295Asp (NM_001278344.2); short protein forms A295D, A503D.
Identifiers: ClinVar variation 657587 (VCV000657587.9), dbSNP rs1572140190, ClinGen allele CA345384225.
Genomic context (GRCh38, chr1:236,747,768, plus strand): 5'-GCCAGAAAATTTGTGACCAGTGGGACCGACTGGGAACGCTTACTCAGAAGAGGAGAGAAG[C>A]CCTAGAGGTGAAGTATTGAAGCCACTTGTTGACATGAAATCTTTTAATAGAAGCTCTTTA-3'
Protein context (NP_001094.1, residues 493-513): LGTLTQKRRE[Ala503Asp]LERMEKLLET

ClinVar aggregate classification (germline): Uncertain significance (1 of 4 stars; one submission).

Conditions:
Primary familial hypertrophic cardiomyopathy (HCM). Identifiers: Orphanet 99739, MedGen C0949658, MeSH D024741, MONDO:0024573. Inheritance: Various modes of inheritance.
Dilated cardiomyopathy 1AA (CMD1AA). Also called: Cardiomyopathy, dilated, 1AA, with or without LVNC; CARDIOMYOPATHY, DILATED, 1AA, WITH OR WITHOUT LEFT VENTRICULAR NONCOMPACTION; CARDIOMYOPATHY, FAMILIAL HYPERTROPHIC, 23, WITH OR WITHOUT LEFT VENTRICULAR NONCOMPACTION. Identifiers: Orphanet 154, MedGen C2677338, MONDO:0012808, OMIM 612158.

Submission:

Labcorp Genetics (formerly Invitae), Labcorp
Classification: Uncertain significance for Primary familial hypertrophic cardiomyopathy; Dilated cardiomyopathy 1AA. Last evaluated: 2018-08-20. Review status: criteria provided, single submitter. Criteria: Invitae Variant Classification Sherloc (09022015). Collection method: clinical testing. Allele origin: germline.
Comment: In summary, the available evidence is currently insufficient to determine the role of this variant in disease. Therefore, it has been classified as a Variant of Uncertain Significance. Algorithms developed to predict the effect of missense changes on protein structure and function (SIFT, PolyPhen-2, Align-GVGD) all suggest that this variant is likely to be disruptive, but these predictions have not been confirmed by published functional studies and their clinical significance is uncertain. This variant has not been reported in the literature in individuals with ACTN2-related disease. This variant is not present in population databases (ExAC no frequency). This sequence change replaces alanine with aspartic acid at codon 503 of the ACTN2 protein (p.Ala503Asp). The alanine residue is highly conserved and there is a moderate physicochemical difference between alanine and aspartic acid.